The following is an entry in ClinVar:

NM_001868.4(CPA1):c.160C>T (p.Arg54Trp)

Gene: CPA1 (carboxypeptidase A1; plus strand). Cytogenetic location: 7q32.2.
Variant type: single nucleotide variant.
Coding change: c.160C>T on transcript NM_001868.4 (MANE Select); coding-DNA position 160, C replaced by T.
Protein change: p.Arg54Trp; replaces arginine 54 with tryptophan.
Molecular consequence: missense variant.
Genome position (GRCh38, 1-based): chr7:130,381,642, C>T. VCF-style: chr7-130381642-C-T. GRCh37 (hg19) VCF-style: chr7-130021483-C-T.
Other names: c.160C>T (NM_001868.2); short protein forms R54W.
Identifiers: ClinVar variation 2885381 (VCV002885381.4), dbSNP rs782645631, ClinGen allele CA369279544.
Genomic context (GRCh38, chr7:130,381,642, plus strand): 5'-CTGGTGCCCCCAGCCCGCTGTGACCGTGCCGGCTCTTGTCCTCCCCAGCTGGACTTCTGG[C>T]GGGGGCCTGCCCACCCTGGCTCCCCCATCGACGTCCGAGTGCCCTTCCCCAGCATCCAGG-3'
Protein context (NP_001859.1, residues 44-64): DLEHLQLDFW[Arg54Trp]GPAHPGSPID

ClinVar aggregate classification (germline): Conflicting classifications of pathogenicity. Review status: criteria provided, conflicting classifications (1 of 4 stars). 2 submissions from 2 submitters: Uncertain significance (1); Likely benign (1). Last evaluated 2024-10-28.

Conditions:
Hereditary pancreatitis (PCTT). Also called: Hereditary chronic pancreatitis; PRSS1-Related Hereditary Pancreatitis. Identifiers: Orphanet 676, MedGen C0238339, MONDO:0008185, OMIM 167800.

Submissions (2):

Ambry Genetics
Classification: Likely benign for Hereditary pancreatitis. Last evaluated: 2024-10-28. Review status: criteria provided, single submitter. Criteria: Ambry Variant Classification Scheme 2023. Collection method: clinical testing. Allele origin: germline.

Labcorp Genetics (formerly Invitae), Labcorp
Classification: Uncertain significance. Last evaluated: 2023-11-19. Review status: criteria provided, single submitter. Criteria: Invitae Variant Classification Sherloc (09022015). Collection method: clinical testing. Allele origin: germline.
Comment: This sequence change replaces arginine, which is basic and polar, with tryptophan, which is neutral and slightly polar, at codon 54 of the CPA1 protein (p.Arg54Trp). This variant is not present in population databases (gnomAD no frequency). This variant has not been reported in the literature in individuals affected with CPA1-related conditions. An algorithm developed to predict the effect of missense changes on protein structure and function (PolyPhen-2) suggests that this variant is likely to be disruptive. In summary, the available evidence is currently insufficient to determine the role of this variant in disease. Therefore, it has been classified as a Variant of Uncertain Significance.